The following is an entry in ClinVar:

ClinVar aggregate classification (germline): Likely benign. Review status: criteria provided, multiple submitters, no conflicts (2 of 4 stars). 3 submissions from 3 submitters: Likely benign (3). Last evaluated 2025-12-05.

Conditions:
Developmental and epileptic encephalopathy, 31A. Also called: Epileptic encephalopathy, early infantile, 31; Developmental and epileptic encephalopathy, 31. Identifiers: Orphanet 2382, MedGen C4225357, MONDO:0014598, OMIM 616346.

Allele frequency attached by ClinVar (database versions not stated): gnomAD exomes 0.00002; gnomAD 0.00003; TOPMed 0.00003; ExAC 0.00006.
gnomAD v4.1: 32 of 1,595,990 alleles (0.002%); highest among the groups gnomAD compares: Non-Finnish European, 0.0023%; no homozygotes.

Submissions (3):

Labcorp Genetics (formerly Invitae), Labcorp
Classification: Likely benign for Developmental and epileptic encephalopathy, 31A. Last evaluated: 2025-12-05. Review status: criteria provided, single submitter. Criteria: Invitae Variant Classification Sherloc (09022015). Collection method: clinical testing. Allele origin: germline.

Athena Diagnostics
Classification: Likely benign. Last evaluated: 2018-08-14. Review status: criteria provided, single submitter. Criteria: Athena Diagnostics Criteria. Collection method: clinical testing. Allele origin: germline.

GeneDx
Classification: Likely benign. Last evaluated: 2017-03-29. Review status: criteria provided, single submitter. Criteria: GeneDx Variant Classification (06012015). Collection method: clinical testing. Allele origin: germline. Affected: yes.
Comment: This variant is considered likely benign or benign based on one or more of the following criteria: it is a conservative change, it occurs at a poorly conserved position in the protein, it is predicted to be benign by multiple in silico algorithms, and/or has population frequency not consistent with disease.

NM_004408.4(DNM1):c.1893+9C>A

Gene: DNM1 (dynamin 1; plus strand). Cytogenetic location: 9q34.11.
Variant type: single nucleotide variant.
Coding change: c.1893+9C>A on transcript NM_004408.4 (MANE Select); 9 bases into the intron after coding-DNA position 1893, C replaced by A.
Molecular consequence: intron variant.
Genome position (GRCh38, 1-based): chr9:128,247,495, C>A. VCF-style: chr9-128247495-C-A. GRCh37 (hg19) VCF-style: chr9-131009774-C-A.
Other names: c.1893+9C>A (NM_001005336.3, NM_001288738.2, NM_001288737.2 and 1 more transcripts).
Identifiers: ClinVar variation 508423 (VCV000508423.12), dbSNP rs769121301, ClinGen allele CA5258346.